The following is an entry in ClinVar:

ClinVar aggregate classification (germline): Uncertain significance (1 of 4 stars; one submission).

Submission:

Labcorp Genetics (formerly Invitae), Labcorp
Classification: Uncertain significance. Last evaluated: 2024-07-19. Review status: criteria provided, single submitter. Criteria: Invitae Variant Classification Sherloc (09022015). Collection method: clinical testing. Allele origin: germline.
Comment: This sequence change replaces asparagine, which is neutral and polar, with lysine, which is basic and polar, at codon 400 of the LRRC8A protein (p.Asn400Lys). This variant is not present in population databases (gnomAD no frequency). This variant has not been reported in the literature in individuals affected with LRRC8A-related conditions. An algorithm developed to predict the effect of missense changes on protein structure and function (PolyPhen-2) suggests that this variant is likely to be tolerated. In summary, the available evidence is currently insufficient to determine the role of this variant in disease. Therefore, it has been classified as a Variant of Uncertain Significance.

NM_019594.4(LRRC8A):c.1200C>A (p.Asn400Lys)

Gene: LRRC8A (leucine rich repeat containing 8 VRAC subunit A; plus strand). Cytogenetic location: 9q34.11.
Variant type: single nucleotide variant.
Coding change: c.1200C>A on transcript NM_019594.4 (MANE Select); coding-DNA position 1200, C replaced by A.
Protein change: p.Asn400Lys; replaces asparagine 400 with lysine.
Molecular consequence: missense variant.
Genome position (GRCh38, 1-based): chr9:128,908,364, C>A. VCF-style: chr9-128908364-C-A. GRCh37 (hg19) VCF-style: chr9-131670643-C-A.
Other names: c.1200C>A, p.Asn400Lys (NM_001127244.2, NM_001127245.2); short protein forms N400K.
Identifiers: ClinVar variation 3659329 (VCV003659329.2).